The following is an entry in ClinVar:

ClinVar aggregate classification (germline): Pathogenic (1 of 4 stars; one submission).

Conditions:
Developmental and epileptic encephalopathy, 12 (DEE12). Identifiers: MedGen C3150988, MONDO:0013389, OMIM 613722.

Submission:

Labcorp Genetics (formerly Invitae), Labcorp
Classification: Pathogenic for Developmental and epileptic encephalopathy, 12. Last evaluated: 2024-03-11. Review status: criteria provided, single submitter. Criteria: Invitae Variant Classification Sherloc (09022015). Collection method: clinical testing. Allele origin: germline.
Comment: This sequence change creates a premature translational stop signal (p.Trp402Argfs*62) in the PNKP gene. It is expected to result in an absent or disrupted protein product. Loss-of-function variants in PNKP are known to be pathogenic (PMID: 20118933, 25728773). The frequency data for this variant in the population databases is considered unreliable, as metrics indicate poor data quality at this position in the gnomAD database. This variant has not been reported in the literature in individuals affected with PNKP-related conditions. ClinVar contains an entry for this variant (Variation ID: 656086). For these reasons, this variant has been classified as Pathogenic.

Literature cited by the submitters: PubMed 20118933; PubMed 25728773.

NM_007254.4(PNKP):c.1203_1291del (p.Trp402fs)

Gene: PNKP (polynucleotide kinase 3'-phosphatase; minus strand). Cytogenetic location: 19q13.33.
Variant type: Deletion.
Coding change: c.1203_1291del on transcript NM_007254.4 (MANE Select); coding-DNA positions 1203 to 1291, 89 bases deleted.
Protein change: p.Trp402fs; shifts the reading frame from tryptophan 402.
Molecular consequence: frameshift variant.
Genome position (GRCh38, 1-based): chr19:49,861,779-49,861,867, 89 bases deleted. GRCh37 (hg19): chr19:50,365,037-50,365,125.
Other names: c.1203_1291del (NM_007254.3); short protein forms W402fs.
Identifiers: ClinVar variation 656086 (VCV000656086.9), dbSNP rs1568659036, ClinGen allele CA633894526.